The following is an entry in ClinVar:

ClinVar aggregate classification (germline): Uncertain significance (1 of 4 stars; one submission).

Submission:

Labcorp Genetics (formerly Invitae), Labcorp
Classification: Uncertain significance. Last evaluated: 2022-07-19. Review status: criteria provided, single submitter. Criteria: Invitae Variant Classification Sherloc (09022015). Collection method: clinical testing. Allele origin: germline.
Comment: This sequence change replaces threonine, which is neutral and polar, with asparagine, which is neutral and polar, at codon 391 of the AP3D1 protein (p.Thr391Asn). This variant is not present in population databases (gnomAD no frequency). This variant has not been reported in the literature in individuals affected with AP3D1-related conditions. Algorithms developed to predict the effect of missense changes on protein structure and function (SIFT, PolyPhen-2, Align-GVGD) all suggest that this variant is likely to be tolerated. In summary, the available evidence is currently insufficient to determine the role of this variant in disease. Therefore, it has been classified as a Variant of Uncertain Significance.

NM_001261826.3(AP3D1):c.1172C>A (p.Thr391Asn)

Gene: AP3D1 (adaptor related protein complex 3 subunit delta 1; minus strand). Cytogenetic location: 19p13.3.
Variant type: single nucleotide variant.
Coding change: c.1172C>A on transcript NM_001261826.3 (MANE Select); coding-DNA position 1172, C replaced by A.
Protein change: p.Thr391Asn; replaces threonine 391 with asparagine.
Molecular consequence: missense variant.
Genome position (GRCh38, 1-based): chr19:2,121,241, G>T on the plus strand (C>A on the coding strand, the complement: AP3D1 is on the minus strand). VCF-style: chr19-2121241-G-T. GRCh37 (hg19) VCF-style: chr19-2121240-G-T.
Other names: c.1172C>A, p.Thr391Asn (NM_001374799.1, NM_003938.8); short protein forms T391N.
Identifiers: ClinVar variation 1719138 (VCV001719138.5), dbSNP rs2512173399, ClinGen allele CA403224122.